The following is an entry in ClinVar:

NM_025114.4(CEP290):c.6729G>T (p.Glu2243Asp)

Gene: CEP290 (centrosomal protein 290; minus strand). Cytogenetic location: 12q21.32.
Variant type: single nucleotide variant.
Coding change: c.6729G>T on transcript NM_025114.4 (MANE Select); coding-DNA position 6729, G replaced by T.
Protein change: p.Glu2243Asp; replaces glutamic acid 2243 with aspartic acid.
Molecular consequence: missense variant.
Genome position (GRCh38, 1-based): chr12:88,058,937, C>A on the plus strand (G>T on the coding strand, the complement: CEP290 is on the minus strand). VCF-style: chr12-88058937-C-A. GRCh37 (hg19) VCF-style: chr12-88452714-C-A.
Other names: short protein forms E2243D.
Identifiers: ClinVar variation 4989783 (VCV004989783.1).

ClinVar aggregate classification (germline): Uncertain significance (1 of 4 stars; one submission).

Conditions:
CEP290-related disorder. Also called: CEP290-related condition; CEP290-related disorders. Identifiers: MedGen CN239314.

gnomAD v4.1: 1 of 1,613,724 alleles (0.000062%); highest among the groups gnomAD compares: Admixed American, 0.0017%; no homozygotes.

Submission:

PreventionGenetics, part of Exact Sciences
Classification: Uncertain significance for CEP290-related condition. Last evaluated: 2025-06-13. Review status: criteria provided, single submitter. Criteria: ACMG Guidelines, 2015. Collection method: clinical testing. Allele origin: germline.
Comment: The CEP290 c.6729G>T variant is predicted to result in the amino acid substitution p.Glu2243Asp. To our knowledge, this variant has not been reported in the literature or in a large population database (gnomAD), indicating this variant is rare. At this time, the clinical significance of this variant is uncertain due to the absence of conclusive functional and genetic evidence.